The following is an entry in ClinVar:

NM_000143.4(FH):c.1052C>A (p.Ser351Ter)

Gene: FH (fumarate hydratase; minus strand). Cytogenetic location: 1q43.
Variant type: single nucleotide variant.
Coding change: c.1052C>A on transcript NM_000143.4 (MANE Select); coding-DNA position 1052, C replaced by A.
Protein change: p.Ser351Ter; replaces serine 351 with a stop codon.
Molecular consequence: nonsense.
Genome position (GRCh38, 1-based): chr1:241,504,098, G>T on the plus strand (C>A on the coding strand, the complement: FH is on the minus strand). VCF-style: chr1-241504098-G-T. GRCh37 (hg19) VCF-style: chr1-241667398-G-T.
Other names: short protein forms S351*.
Identifiers: ClinVar variation 405912 (VCV000405912.13), dbSNP rs1060500896, ClinGen allele CA16610049.

ClinVar aggregate classification (germline): Pathogenic. Review status: criteria provided, multiple submitters, no conflicts (2 of 4 stars). 2 submissions from 2 submitters: Pathogenic (2). Last evaluated 2020-09-25.

Conditions:
Hereditary cancer-predisposing syndrome. Also called: Hereditary Cancer Syndrome; Hereditary neoplastic syndrome; Neoplastic Syndromes, Hereditary; Tumor predisposition. Identifiers: Orphanet 140162, MedGen C0027672, MeSH D009386, MONDO:0015356.

Submissions (2):

Ambry Genetics
Classification: Pathogenic for Hereditary cancer-predisposing syndrome. Last evaluated: 2020-09-25. Review status: criteria provided, single submitter. Criteria: Ambry Variant Classification Scheme 2023. Collection method: clinical testing. Allele origin: germline.
Comment: The p.S351* pathogenic mutation (also known as c.1052C>A), located in coding exon 7 of the FH gene, results from a C to A substitution at nucleotide position 1052. This changes the amino acid from a serine to a stop codon within coding exon 7. This alteration is expected to result in loss of function by premature protein truncation or nonsense-mediated mRNA decay. As such, this alteration is interpreted as a disease-causing mutation.

Labcorp Genetics (formerly Invitae), Labcorp
Classification: Pathogenic. Last evaluated: 2019-08-12. Review status: criteria provided, single submitter. Criteria: Invitae Variant Classification Sherloc (09022015). Collection method: clinical testing. Allele origin: germline.
Comment: This variant is not present in population databases (ExAC no frequency). This variant has not been reported in the literature in individuals with FH-related conditions. ClinVar contains an entry for this variant (Variation ID: 405912). Loss-of-function variants in FH are known to be pathogenic (PMID: 11865300, 21398687). For these reasons, this variant has been classified as Pathogenic. This sequence change creates a premature translational stop signal (p.Ser351*) in the FH gene. It is expected to result in an absent or disrupted protein product.

Literature cited by the submitters: PubMed 11865300 (cited by Labcorp Genetics (formerly Invitae), Labcorp); PubMed 21398687 (cited by Labcorp Genetics (formerly Invitae), Labcorp).